The following is an entry in ClinVar:

NM_206933.4(USH2A):c.2861A>G (p.His954Arg)

Genes: USH2A (usherin; minus strand), USH2A-AS1 (USH2A antisense RNA 1; plus strand). Cytogenetic location: 1q41.
Variant type: single nucleotide variant.
Coding change: c.2861A>G on transcript NM_206933.4 (MANE Select); coding-DNA position 2861, A replaced by G.
Protein change: p.His954Arg; replaces histidine 954 with arginine.
Molecular consequence: missense variant.
Genome position (GRCh38, 1-based): chr1:216,232,085, T>C on the plus strand (A>G on the coding strand, the complement: USH2A is on the minus strand). VCF-style: chr1-216232085-T-C. GRCh37 (hg19) VCF-style: chr1-216405427-T-C.
Other names: c.2861A>G, p.His954Arg (NM_007123.6); c.2861A>G (NM_206933.2); short protein forms H954R.
Identifiers: ClinVar variation 2145473 (VCV002145473.3), dbSNP rs370179924, ClinGen allele CA1396137.

ClinVar aggregate classification (germline): Uncertain significance. Review status: criteria provided, multiple submitters, no conflicts (2 of 4 stars). 3 submissions from 3 submitters: Uncertain significance (3). Last evaluated 2025-04-03.

Conditions:
Inborn genetic diseases. Identifiers: MedGen C0950123, MeSH D030342.

Allele frequency attached by ClinVar (database versions not stated): gnomAD 0.00001; ExAC 0.00002; TOPMed 0.00003; ESP Exome Variant Server 0.00008.
gnomAD v4.1: 40 of 1,613,898 alleles (0.0025%); highest among the groups gnomAD compares: Non-Finnish European, 0.0034%; no homozygotes.

Submissions (3):

Ambry Genetics
Classification: Uncertain significance for Inborn genetic diseases. Last evaluated: 2025-04-03. Review status: criteria provided, single submitter. Criteria: Ambry Variant Classification Scheme 2023. Collection method: clinical testing. Allele origin: germline.

Blueprint Genetics
Classification: Uncertain significance. Last evaluated: 2022-08-19. Review status: criteria provided, single submitter. Criteria: ACMG Guidelines, 2015. Collection method: clinical testing. Allele origin: germline.

Labcorp Genetics (formerly Invitae), Labcorp
Classification: Uncertain significance. Last evaluated: 2022-01-11. Review status: criteria provided, single submitter. Criteria: Invitae Variant Classification Sherloc (09022015). Collection method: clinical testing. Allele origin: germline.
Comment: This sequence change replaces histidine, which is basic and polar, with arginine, which is basic and polar, at codon 954 of the USH2A protein (p.His954Arg). This variant is present in population databases (rs370179924, gnomAD 0.003%). This variant has not been reported in the literature in individuals affected with USH2A-related conditions. Algorithms developed to predict the effect of missense changes on protein structure and function (SIFT, PolyPhen-2, Align-GVGD) all suggest that this variant is likely to be disruptive. In summary, the available evidence is currently insufficient to determine the role of this variant in disease. Therefore, it has been classified as a Variant of Uncertain Significance.